The following is an entry in ClinVar:

NM_182961.4(SYNE1):c.17443C>G (p.Leu5815Val)

Genes: SYNE1 (spectrin repeat containing nuclear envelope protein 1; minus strand), LOC129997480 (ATAC-STARR-seq lymphoblastoid active region 25287; plus strand). Cytogenetic location: 6q25.2.
Variant type: single nucleotide variant.
Coding change: c.17443C>G on transcript NM_182961.4 (MANE Select); coding-DNA position 17443, C replaced by G.
Protein change: p.Leu5815Val; replaces leucine 5815 with valine.
Molecular consequence: missense variant.
Genome position (GRCh38, 1-based): chr6:152,301,967, G>C on the plus strand (C>G on the coding strand, the complement: SYNE1 is on the minus strand). VCF-style: chr6-152301967-G-C. GRCh37 (hg19) VCF-style: chr6-152623102-G-C.
Other names: c.17230C>G, p.Leu5744Val (NM_033071.5); short protein forms L5744V, L5815V.
Identifiers: ClinVar variation 995285 (VCV000995285.10), dbSNP rs987594036, ClinGen allele CA150198445.

ClinVar aggregate classification (germline): Uncertain significance. Review status: criteria provided, multiple submitters, no conflicts (2 of 4 stars). 2 submissions from 2 submitters: Uncertain significance (2). Last evaluated 2020-05-04.

Conditions:
Autosomal recessive ataxia, Beauce type. Also called: ATAXIA, RECESSIVE, OF BEAUCE; Spinocerebellar ataxia, autosomal recessive 8; SYNE1-Related Autosomal Recessive Cerebellar Ataxia; SYNE1 Deficiency. Identifiers: Orphanet 88644, MedGen C1853116, MONDO:0012549, OMIM 610743.
Emery-Dreifuss muscular dystrophy 4, autosomal dominant (EDMD4). Also called: EMERY-DREIFUSS MUSCULAR DYSTROPHY 4 WITH VARIABLE FEATURES. Identifiers: Orphanet 261, MedGen C2751807, MONDO:0013071, OMIM 612998.

Allele frequency attached by ClinVar (database versions not stated): gnomAD 0.00001; gnomAD exomes 0.00001; TOPMed 0.00002.
gnomAD v4.1: 16 of 1,614,140 alleles (0.00099%); highest among the groups gnomAD compares: Admixed American, 0.0017%; 1 homozygote.

Submissions (2):

Labcorp Genetics (formerly Invitae), Labcorp
Classification: Uncertain significance for Emery-Dreifuss muscular dystrophy 4, autosomal dominant; Autosomal recessive ataxia, Beauce type. Last evaluated: 2020-05-04. Review status: criteria provided, single submitter. Criteria: Invitae Variant Classification Sherloc (09022015). Collection method: clinical testing. Allele origin: germline.
Comment: This sequence change replaces leucine with valine at codon 5744 of the SYNE1 protein (p.Leu5744Val). The leucine residue is highly conserved and there is a small physicochemical difference between leucine and valine. This variant is not present in population databases (ExAC no frequency). This variant has not been reported in the literature in individuals with SYNE1-related conditions. Algorithms developed to predict the effect of missense changes on protein structure and function (SIFT, PolyPhen-2, Align-GVGD) all suggest that this variant is likely to be disruptive, but these predictions have not been confirmed by published functional studies and their clinical significance is uncertain. In summary, the available evidence is currently insufficient to determine the role of this variant in disease. Therefore, it has been classified as a Variant of Uncertain Significance.

Athena Diagnostics
Classification: Uncertain significance. Last evaluated: 2020-02-12. Review status: criteria provided, single submitter. Criteria: Athena Diagnostics Criteria. Collection method: clinical testing. Allele origin: unknown.